The following is an entry in ClinVar:

ClinVar aggregate classification (germline): Uncertain significance (1 of 4 stars; one submission).

Conditions:
Rhabdoid tumor predisposition syndrome 2 (RTPS2). Identifiers: Orphanet 231108, Orphanet 69077, MedGen C2750074, MONDO:0013224, OMIM 613325.

Submission:

Labcorp Genetics (formerly Invitae), Labcorp
Classification: Uncertain significance for Rhabdoid tumor predisposition syndrome 2. Last evaluated: 2019-02-04. Review status: criteria provided, single submitter. Criteria: Invitae Variant Classification Sherloc (09022015). Collection method: clinical testing. Allele origin: germline.
Comment: This variant results in a copy number gain of the genomic region encompassing exons 10-36 of the SMARCA4 gene. The 5' boundary is likely confined to intron 9. The 3' end of this event is unknown as it extends beyond the assayed region for this gene and therefore may encompass additional genes. As the precise location of this event is unknown, it may be in tandem or it may be located elsewhere in the genome. This variant has not been reported in the literature in individuals with SMARCA4-related conditions. In summary, the available evidence is currently insufficient to determine the role of this variant in disease. Therefore, it has been classified as a Variant of Uncertain Significance.

NC_000019.9:g.(?_11106879)_(11172502_?)dup

Genes: SMARCA4 (SWI/SNF related BAF chromatin remodeling complex subunit ATPase 4; plus strand), LOC130063552 (ATAC-STARR-seq lymphoblastoid active region 14002; plus strand), LOC130063553 (ATAC-STARR-seq lymphoblastoid active region 14003; plus strand), LOC130063554 (ATAC-STARR-seq lymphoblastoid active region 14004; plus strand), LOC130063555 (ATAC-STARR-seq lymphoblastoid active region 14005; plus strand). Cytogenetic location: 19p13.2.
Variant type: Duplication.
Identifiers: ClinVar variation 640458 (VCV000640458.2).